The following is an entry in ClinVar:

NM_053025.4(MYLK):c.1855A>G (p.Lys619Glu)

Gene: MYLK (myosin light chain kinase; minus strand). Cytogenetic location: 3q21.1.
Variant type: single nucleotide variant.
Coding change: c.1855A>G on transcript NM_053025.4 (MANE Select); coding-DNA position 1855, A replaced by G.
Protein change: p.Lys619Glu; replaces lysine 619 with glutamic acid.
Molecular consequence: missense variant.
Genome position (GRCh38, 1-based): chr3:123,709,843, T>C on the plus strand (A>G on the coding strand, the complement: MYLK is on the minus strand). VCF-style: chr3-123709843-T-C. GRCh37 (hg19) VCF-style: chr3-123428690-T-C.
Other names: c.1327A>G, p.Lys443Glu (NM_001321309.2); c.1648A>G, p.Lys550Glu (NM_053026.4, NM_053028.4); c.1855A>G, p.Lys619Glu (NM_053027.4); short protein forms K619E, K443E, K550E.
Identifiers: ClinVar variation 2729964 (VCV002729964.3), dbSNP rs1227570885, ClinGen allele CA354235079.
Genomic context (GRCh38, chr3:123,709,843, plus strand): 5'-GGCTTCCATCCATGACTTTGAGATCAGAGAGGCCCTGCAGGAAGATGGGTGCAGTGGGCT[T>C]GCTGGGAGCCACAGGCAGAAGGTACTCACTCTTCCTGCTACTCTTCTTTTCTGTGTGGTA-3'
Protein context (NP_444253.3, residues 609-629): SEYLLPVAPS[Lys619Glu]PTAPIFLQGL

ClinVar aggregate classification (germline): Uncertain significance (1 of 4 stars; one submission).

Conditions:
Aortic aneurysm, familial thoracic 7 (AAT7). Also called: AORTIC DISSECTION, FAMILIAL, WITH OR WITHOUT AORTIC ANEURYSM. Identifiers: MedGen C3151077, MONDO:0013418, OMIM 613780.

Allele frequency attached by ClinVar (database versions not stated): TOPMed below 0.00001; gnomAD 0.00001.

Submission:

Labcorp Genetics (formerly Invitae), Labcorp
Classification: Uncertain significance for Aortic aneurysm, familial thoracic 7. Last evaluated: 2023-10-22. Review status: criteria provided, single submitter. Criteria: Invitae Variant Classification Sherloc (09022015). Collection method: clinical testing. Allele origin: germline.
Comment: This sequence change replaces lysine, which is basic and polar, with glutamic acid, which is acidic and polar, at codon 619 of the MYLK protein (p.Lys619Glu). This variant is not present in population databases (gnomAD no frequency). This variant has not been reported in the literature in individuals affected with MYLK-related conditions. Advanced modeling of protein sequence and biophysical properties (such as structural, functional, and spatial information, amino acid conservation, physicochemical variation, residue mobility, and thermodynamic stability) has been performed at Invitae for this missense variant, however the output from this modeling did not meet the statistical confidence thresholds required to predict the impact of this variant on MYLK protein function. In summary, the available evidence is currently insufficient to determine the role of this variant in disease. Therefore, it has been classified as a Variant of Uncertain Significance.